The following is an entry in ClinVar:

NM_000535.7(PMS2):c.131A>T (p.Glu44Val)

Gene: PMS2 (PMS1 homolog 2, mismatch repair system component; minus strand). Cytogenetic location: 7p22.1.
Variant type: single nucleotide variant.
Coding change: c.131A>T on transcript NM_000535.7 (MANE Select); coding-DNA position 131, A replaced by T.
Protein change: p.Glu44Val; replaces glutamic acid 44 with valine.
Molecular consequence: missense variant. On other transcripts: 5 prime UTR variant (8), non-coding transcript variant (1), intron variant (3).
Genome position (GRCh38, 1-based): chr7:6,005,924, T>A on the plus strand (A>T on the coding strand, the complement: PMS2 is on the minus strand). VCF-style: chr7-6005924-T-A. GRCh37 (hg19) VCF-style: chr7-6045555-T-A.
Other names: c.-275A>T (NM_001322003.2, NM_001322005.2, NM_001322009.2 and 1 more transcripts); c.131A>T, p.Glu44Val (NM_001322006.2, NM_001322014.2); c.-85A>T (NM_001322007.2); c.-754A>T (NM_001322011.2, NM_001322012.2); c.-354A>T (NM_001322015.2); c.-52-1866A>T (NM_001322008.2); c.-242-1866A>T (NM_001322010.2, NM_001322004.2); short protein forms E44V.
Identifiers: ClinVar variation 232732 (VCV000232732.6), dbSNP rs876659955, ClinGen allele CA10578728.

ClinVar aggregate classification (germline): Uncertain significance (1 of 4 stars; one submission).

Conditions:
Hereditary cancer-predisposing syndrome. Also called: Tumor predisposition; Neoplastic Syndromes, Hereditary; Hereditary Cancer Syndrome; Hereditary neoplastic syndrome. Identifiers: Orphanet 140162, MedGen C0027672, MeSH D009386, MONDO:0015356.

Submission:

Ambry Genetics
Classification: Uncertain significance for Hereditary cancer-predisposing syndrome. Last evaluated: 2026-08-17. Review status: criteria provided, single submitter. Criteria: Ambry Variant Classification Scheme 2023. Collection method: clinical testing. Allele origin: germline.
Comment: The p.E44V variant (also known as c.131A>T), located in coding exon 2 of the PMS2 gene, results from an A to T substitution at nucleotide position 131. The glutamic acid at codon 44 is replaced by valine, an amino acid with dissimilar properties. This amino acid position is highly conserved in available vertebrate species. In addition, this alteration is predicted to be deleterious by in silico analysis. Based on the available evidence, the clinical significance of this variant remains unclear.